The following is an entry in ClinVar:

ClinVar aggregate classification (germline): Likely benign (1 of 4 stars; one submission).

Allele frequency attached by ClinVar (database versions not stated): ExAC 0.00001; gnomAD exomes 0.00002 and 0.00004; gnomAD 0.00009 and 0.00010.
gnomAD v4.1: 52 of 1,214,584 alleles (0.0043%); highest among the groups gnomAD compares: African/African-American, 0.0093%; no homozygotes.

Submission:

Laboratory for Molecular Medicine, Mass General Brigham Personalized Medicine
Classification: Likely benign. Last evaluated: 2010-08-18. Review status: criteria provided, single submitter. Criteria: LMM Criteria. Collection method: clinical testing. Allele origin: germline. Observed: 1 variant allele.
Comment: Pro577Pro in exon 18 of USH1C: This silent variant is not expected to have clini cal significance because it does not alter an amino acid residue and is not loca ted near a splice junction.

NM_153676.4(USH1C):c.1731G>A (p.Pro577=)

Gene: USH1C (USH1 protein network component harmonin; minus strand). Cytogenetic location: 11p15.1.
Variant type: single nucleotide variant.
Coding change: c.1731G>A on transcript NM_153676.4 (MANE Select); coding-DNA position 1731, G replaced by A.
Protein change: p.Pro577=; no amino-acid change (proline 577 retained).
Molecular consequence: synonymous variant. On other transcripts: intron variant (2).
Genome position (GRCh38, 1-based): chr11:17,509,638, C>T on the plus strand (G>A on the coding strand, the complement: USH1C is on the minus strand). VCF-style: chr11-17509638-C-T. GRCh37 (hg19) VCF-style: chr11-17531185-C-T.
Other names: c.1228-7658G>A (NM_001297764.2); c.1285-7658G>A (NM_005709.4).
Identifiers: ClinVar variation 47978 (VCV000047978.5), dbSNP rs199572804, ClinGen allele CA142298.